The following is an entry in ClinVar:

ClinVar aggregate classification (germline): Uncertain significance. Review status: criteria provided, multiple submitters, no conflicts (2 of 4 stars). 2 submissions from 2 submitters: Uncertain significance (2). Last evaluated 2023-11-02.

Conditions:
Exostoses, multiple, type 2 (EXT2). Also called: Hereditary Multiple Osteochondromatosis, Type II; EXOSTOSES, MULTIPLE, TYPE II. Identifiers: Orphanet 321, MedGen C1851413, MONDO:0007586, OMIM 133701.

Allele frequency attached by ClinVar (database versions not stated): gnomAD exomes below 0.00001.
gnomAD v4.1: 2 of 1,614,100 alleles (0.00012%); highest among the groups gnomAD compares: Non-Finnish European, 0.00017%; no homozygotes.

Submissions (2):

Baylor Genetics
Classification: Uncertain significance for Exostoses, multiple, type 2. Last evaluated: 2023-11-02. Review status: criteria provided, single submitter. Criteria: ACMG Guidelines, 2015. Collection method: clinical testing. Allele origin: unknown.

Labcorp Genetics (formerly Invitae), Labcorp
Classification: Uncertain significance for Exostoses, multiple, type 2. Last evaluated: 2023-03-07. Review status: criteria provided, single submitter. Criteria: Invitae Variant Classification Sherloc (09022015). Collection method: clinical testing. Allele origin: germline.
Comment: This sequence change replaces leucine, which is neutral and non-polar, with glutamine, which is neutral and polar, at codon 709 of the EXT2 protein (p.Leu709Gln). This variant is not present in population databases (gnomAD no frequency). This variant has not been reported in the literature in individuals affected with EXT2-related conditions. Advanced modeling of protein sequence and biophysical properties (such as structural, functional, and spatial information, amino acid conservation, physicochemical variation, residue mobility, and thermodynamic stability) performed at Invitae indicates that this missense variant is not expected to disrupt EXT2 protein function. In summary, the available evidence is currently insufficient to determine the role of this variant in disease. Therefore, it has been classified as a Variant of Uncertain Significance.

NM_207122.2(EXT2):c.2126T>A (p.Leu709Gln)

Gene: EXT2 (exostosin glycosyltransferase 2; plus strand). Cytogenetic location: 11p11.2.
Variant type: single nucleotide variant.
Coding change: c.2126T>A on transcript NM_207122.2 (MANE Select); coding-DNA position 2126, T replaced by A.
Protein change: p.Leu709Gln; replaces leucine 709 with glutamine.
Molecular consequence: missense variant.
Genome position (GRCh38, 1-based): chr11:44,244,256, T>A. VCF-style: chr11-44244256-T-A. GRCh37 (hg19) VCF-style: chr11-44265806-T-A.
Other names: c.2225T>A, p.Leu742Gln (NM_000401.3); c.2156T>A, p.Leu719Gln (NM_001178083.3); c.2126T>A, p.Leu709Gln (NM_001389628.1, NM_001389630.1); short protein forms L709Q, L719Q, L742Q.
Identifiers: ClinVar variation 2755558 (VCV002755558.4), dbSNP rs1956072366, ClinGen allele CA380178677.